The following is an entry in ClinVar:

NM_001369.3(DNAH5):c.2983+5T>C

Genes: DNAH5 (dynein axonemal heavy chain 5; minus strand), DNAH5-AS1 (DNAH5 antisense RNA 1; plus strand). Cytogenetic location: 5p15.2.
Variant type: single nucleotide variant.
Coding change: c.2983+5T>C on transcript NM_001369.3 (MANE Select); 5 bases into the intron after coding-DNA position 2983, T replaced by C.
Molecular consequence: intron variant.
Genome position (GRCh38, 1-based): chr5:13,884,984, A>G on the plus strand (T>C on the coding strand, the complement: DNAH5 is on the minus strand). VCF-style: chr5-13884984-A-G. GRCh37 (hg19) VCF-style: chr5-13885093-A-G.
Identifiers: ClinVar variation 905544 (VCV000905544.6), dbSNP rs1353417066, ClinGen allele CA804559566.
Genomic context (GRCh38, chr5:13,884,984, plus strand): 5'-ACACACACACATACCCCAGCAACTATGCCTGATCATCCACTAAGCAAACCACACAAGATT[A>G]TTACCCCGGAAGTTAATTGTGTGAGAGGAATGAATACGTTTGCGAATGGCCTCTAGTGTA-3'

ClinVar aggregate classification (germline): Uncertain significance. Review status: criteria provided, multiple submitters, no conflicts (2 of 4 stars). 2 submissions from 2 submitters: Uncertain significance (2). Last evaluated 2020-12-11.

Conditions:
Primary ciliary dyskinesia. Also called: Ciliary dyskinesia. Identifiers: Orphanet 244, MedGen C0008780, MONDO:0016575, HP:0012265.
Primary ciliary dyskinesia 3. Identifiers: Orphanet 244, MedGen C1837618, MONDO:0012085, OMIM 608644.

Allele frequency attached by ClinVar (database versions not stated): gnomAD exomes below 0.00001; TOPMed below 0.00001; gnomAD 0.00001.
gnomAD v4.1: 3 of 1,614,038 alleles (0.00019%); highest among the groups gnomAD compares: Non-Finnish European, 0.00025%; no homozygotes.

Submissions (2):

Ambry Genetics
Classification: Uncertain significance for Primary ciliary dyskinesia. Last evaluated: 2020-12-11. Review status: criteria provided, single submitter. Criteria: Ambry Variant Classification Scheme 2023. Collection method: clinical testing. Allele origin: germline.
Comment: The c.2983+5T>C intronic variant results from a T to C substitution 5 nucleotides after coding exon 19 in the DNAH5 gene. This nucleotide position is not well conserved in available vertebrate species. In silico splice site analysis for this alteration is inconclusive. Since supporting evidence is limited at this time, the clinical significance of this alteration remains unclear.

Illumina Laboratory Services, Illumina
Classification: Uncertain significance for Primary ciliary dyskinesia 3. Last evaluated: 2018-01-12. Review status: criteria provided, single submitter. Criteria: ICSL Variant Classification Criteria 13 December 2019. Collection method: clinical testing. Allele origin: germline.